The following is an entry in ClinVar:

NM_152296.5(ATP1A3):c.2191G>A (p.Val731Ile)

Gene: ATP1A3 (ATPase Na+/K+ transporting subunit alpha 3; minus strand). Cytogenetic location: 19q13.2.
Variant type: single nucleotide variant.
Coding change: c.2191G>A on transcript NM_152296.5 (MANE Select); coding-DNA position 2191, G replaced by A.
Protein change: p.Val731Ile; replaces valine 731 with isoleucine.
Molecular consequence: missense variant.
Genome position (GRCh38, 1-based): chr19:41,975,701, C>T on the plus strand (G>A on the coding strand, the complement: ATP1A3 is on the minus strand). VCF-style: chr19-41975701-C-T. GRCh37 (hg19) VCF-style: chr19-42479853-C-T.
Other names: c.2224G>A, p.Val742Ile (NM_001256213.2); c.2230G>A, p.Val744Ile (NM_001256214.2); short protein forms V731I, V742I, V744I.
Identifiers: ClinVar variation 430172 (VCV000430172.11), dbSNP rs1131691813, ClinGen allele CA406041894.
Genomic context (GRCh38, chr19:41,975,701, plus strand): 5'-CTGTGACGATGGAGGCAAAGTTGTCGTCCAGCAGGATCATGTCAGCTGCCTGCTTGGAGA[C>T]GTCAGAGCCAGCGATGCCCATGGCCACCCCAATGTCGGCCTTCTTCAGAGCGGGGGAGTC-3'
Protein context (NP_689509.1, residues 721-741): GVAMGIAGSD[Val731Ile]SKQAADMILL

ClinVar aggregate classification (germline): Conflicting classifications of pathogenicity. Review status: criteria provided, conflicting classifications (1 of 4 stars). 2 submissions from 2 submitters: Likely pathogenic (1); Uncertain significance (1). Last evaluated 2026-08-07.

Conditions:
Dystonia 12 (DYT12). Also called: DYT-ATP1A3; Rapid-Onset Dystonia-Parkinsonism (RDP). Identifiers: Orphanet 71517, MedGen C1868681, MONDO:0007496, OMIM 128235.

Submissions (2):

GeneDx
Classification: Likely pathogenic. Last evaluated: 2026-08-07. Review status: criteria provided, single submitter. Criteria: GeneDx Variant Classification Process June 2021. Collection method: clinical testing. Allele origin: germline.
Comment: Not observed at significant frequency in large population cohorts (gnomAD); In silico analysis suggests that this missense variant does not alter protein structure/function; This variant is associated with the following publications: (PMID: 33057194, 35982159, 33528536)

Labcorp Genetics (formerly Invitae), Labcorp
Classification: Uncertain significance for Dystonia 12. Last evaluated: 2025-06-25. Review status: criteria provided, single submitter. Criteria: Invitae Variant Classification Sherloc (09022015). Collection method: clinical testing. Allele origin: germline.
Comment: This sequence change replaces valine, which is neutral and non-polar, with isoleucine, which is neutral and non-polar, at codon 731 of the ATP1A3 protein (p.Val731Ile). This variant is not present in population databases (gnomAD no frequency). This missense change has been observed in individual(s) with autism spectrum disorder (PMID: 35982159). ClinVar contains an entry for this variant (Variation ID: 430172). Invitae Evidence Modeling of protein sequence and biophysical properties (such as structural, functional, and spatial information, amino acid conservation, physicochemical variation, residue mobility, and thermodynamic stability) indicates that this missense variant is expected to disrupt ATP1A3 protein function with a positive predictive value of 95%. In summary, the available evidence is currently insufficient to determine the role of this variant in disease. Therefore, it has been classified as a Variant of Uncertain Significance.

Literature cited by the submitters: PubMed 35982159 (cited by Labcorp Genetics (formerly Invitae), Labcorp).